The following is an entry in ClinVar:

NM_006236.3(POU3F3):c.604_605delinsCT (p.Ala202Leu)

Gene: POU3F3 (POU class 3 homeobox 3; plus strand). Cytogenetic location: 2q12.1.
Variant type: Indel.
Coding change: c.604_605delinsCT on transcript NM_006236.3 (MANE Select); coding-DNA positions 604 to 605, GC replaced by CT.
Protein change: p.Ala202Leu; replaces alanine 202 with leucine.
Molecular consequence: missense variant.
Genome position (GRCh38, 1-based): chr2:104,856,114-104,856,115, GC replaced by CT. VCF-style: chr2-104856114-GC-CT. GRCh37 (hg19) VCF-style: chr2-105472572-GC-CT.
Other names: short protein forms A202L.
Identifiers: ClinVar variation 2503357 (VCV002503357.2), dbSNP rs2466875693, ClinGen allele CA2580611338.
Genomic context (GRCh38, chr2:104,856,114, plus strand): 5'-GGCCACCCTGGGGGCTGGGGGGCGGCCGCCGCTGCCGCAGCCGCAGCCGCCGCCGCCGCC[GC>CT]CGCCGCGCACCTCCCGTCCATGGCCGGGGGCCAGCAGCCGCCGCCGCAGAGTCTGCTCTA-3'
Protein context (NP_006227.1, residues 192-212): AAAAAAAAAA[Ala202Leu]AAHLPSMAGG

ClinVar aggregate classification (germline): Uncertain significance (1 of 4 stars; one submission).

Submission:

GeneDx
Classification: Uncertain significance. Last evaluated: 2025-10-24. Review status: criteria provided, single submitter. Criteria: GeneDx Variant Classification Process June 2021. Collection method: clinical testing. Allele origin: germline.
Comment: Not observed at significant frequency in large population cohorts (gnomAD); In silico analysis supports a deleterious effect on protein structure/function; Has not been previously published as pathogenic or benign to our knowledge